The following is an entry in ClinVar:

NM_000096.4(CP):c.2482del (p.Ala828fs)

Gene: CP (ceruloplasmin; minus strand). Cytogenetic location: 3q24.
Variant type: Deletion.
Coding change: c.2482del on transcript NM_000096.4 (MANE Select); coding-DNA position 2482, one base deleted (G; older notation c.2482delG).
Protein change: p.Ala828fs; shifts the reading frame from alanine 828.
Molecular consequence: frameshift variant. On other transcripts: non-coding transcript variant (1).
Genome position (GRCh38, 1-based): chr3:149,182,077, C deleted on the plus strand (G on the coding strand, the reverse complement: CP is on the minus strand); the first of 2 consecutive C bases (chr3:149,182,077-149,182,078); deleting either gives the same sequence. VCF-style (leftmost placement, unchanged base first): chr3-149182076-GC-G. GRCh37 (hg19) VCF-style: chr3-148899863-GC-G.
Other names: c.2482delG; short protein forms A828fs.
Identifiers: ClinVar variation 42150 (VCV000042150.3), dbSNP rs386134150, ClinGen allele CA344611.

ClinVar aggregate classification (germline): Pathogenic (0 of 4 stars; one submission).

Conditions:
Deficiency of ferroxidase (ACEP). Also called: Deficiency of ceruloplasmin; Aceruloplasminemia; Ceruloplasmin deficiency; Familial apoceruloplasmin deficiency; Hereditary ceruloplasmin deficiency; NEURODEGENERATION WITH BRAIN IRON ACCUMULATION 10. Identifiers: Orphanet 48818, MedGen C0878682, MONDO:0011426, OMIM 604290, HP:0025498.

Submission:

GeneReviews
Classification: Pathogenic for Aceruloplasminemia. Last evaluated: 2013-04-18. Review status: no assertion criteria provided. Collection method: curation. Allele origin: unknown.
ClinVar note: Converted during submission from pathologic to Pathogenic.